The following is an entry in ClinVar:

NM_001044.5(SLC6A3):c.1036G>A (p.Ala346Thr)

Gene: SLC6A3 (solute carrier family 6 member 3). Cytogenetic location: 5p15.33.
Variant type: single nucleotide variant.
Coding change: c.1036G>A on transcript NM_001044.5 (MANE Select); coding-DNA position 1036, G replaced by A.
Protein change: p.Ala346Thr; replaces alanine 346 with threonine.
Molecular consequence: missense variant.
Genome position (GRCh38, 1-based): chr5:1,414,811, C>T on the plus strand (G>A on the coding strand, the complement: SLC6A3 is on the minus strand). VCF-style: chr5-1414811-C-T. GRCh37 (hg19) VCF-style: chr5-1414926-C-T.
Other names: short protein forms A346T.
Identifiers: ClinVar variation 470628 (VCV000470628.12), dbSNP rs375720650, ClinGen allele CA3186174.

ClinVar aggregate classification (germline): Likely benign. Review status: criteria provided, multiple submitters, no conflicts (2 of 4 stars). 2 submissions from 2 submitters: Likely benign (2). Last evaluated 2025-03-19.

Conditions:
SLC6A3-related disorder. Also called: SLC6A3-related condition.
Parkinsonism-dystonia, infantile. Identifiers: Orphanet 238455, MedGen C2751067, MONDO:0013150.

Allele frequency attached by ClinVar (database versions not stated): TOPMed 0.00011; ExAC 0.00012; gnomAD 0.00015 and 0.00016; gnomAD exomes 0.00015; ESP Exome Variant Server 0.00023.

Submissions (2):

Labcorp Genetics (formerly Invitae), Labcorp
Classification: Likely benign for Parkinsonism-dystonia, infantile. Last evaluated: 2025-03-19. Review status: criteria provided, single submitter. Criteria: Invitae Variant Classification Sherloc (09022015). Collection method: clinical testing. Allele origin: germline.

PreventionGenetics, part of Exact Sciences
Classification: Likely benign for SLC6A3-related condition. Last evaluated: 2024-11-27. Review status: criteria provided, single submitter. Criteria: ACMG Guidelines, 2015. Collection method: clinical testing. Allele origin: germline.
Comment: This variant is classified as likely benign based on ACMG/AMP sequence variant interpretation guidelines (Richards et al. 2015 PMID: 25741868, with internal and published modifications).